The following is an entry in ClinVar:

NM_000059.4(BRCA2):c.10004A>G (p.Glu3335Gly)

Gene: BRCA2 (BRCA2 DNA repair associated; plus strand). Cytogenetic location: 13q13.1.
Variant type: single nucleotide variant.
Coding change: c.10004A>G on transcript NM_000059.4 (MANE Select); coding-DNA position 10004, A replaced by G.
Protein change: p.Glu3335Gly; replaces glutamic acid 3335 with glycine.
Molecular consequence: missense variant. On other transcripts: non-coding transcript variant (1).
Genome position (GRCh38, 1-based): chr13:32,398,517, A>G. VCF-style: chr13-32398517-A-G. GRCh37 (hg19) VCF-style: chr13-32972654-A-G.
Other names: c.9908A>G, p.Glu3303Gly (NM_001406719.1); c.9953A>G, p.Glu3318Gly (NM_001406720.1); c.5072A>G, p.Glu1691Gly (NM_001406721.1); c.3587A>G, p.Glu1196Gly (NM_001406722.1); c.10004A>G, p.Glu3335Gly (NM_001432077.1); short protein forms E3303G, E1691G, E3318G, E1196G, E3335G.
Identifiers: ClinVar variation 4781573 (VCV004781573.2).
Genomic context (GRCh38, chr13:32,398,517, plus strand): 5'-AAGAACTGAATTCTCCTCAGATGACTCCATTTAAAAAATTCAATGAAATTTCTCTTTTGG[A>G]AAGTAATTCAATAGCTGACGAAGAACTTGCATTGATAAATACCCAAGCTCTTTTGTCTGG-3'
Protein context (NP_000050.3, residues 3325-3345): FKKFNEISLL[Glu3335Gly]SNSIADEELA

ClinVar aggregate classification (germline): Uncertain significance. Review status: criteria provided, multiple submitters, no conflicts (2 of 4 stars). 2 submissions from 2 submitters: Uncertain significance (2). Last evaluated 2026-05-14.

Conditions:
Hereditary breast ovarian cancer syndrome. Also called: Hereditary breast and ovarian cancer syndrome (HBOC); Hereditary breast and ovarian cancer syndrome; Breast and ovarian cancer; Hereditary breast and/or ovarian cancer syndrome; Hereditary breast and ovarian cancer; BRCA1- and BRCA2-Associated Hereditary Breast and Ovarian Cancer. Identifiers: Orphanet 145, MedGen C0677776, MeSH D061325, MONDO:0003582. Disease mechanism: loss of function.
Hereditary cancer-predisposing syndrome. Also called: Hereditary neoplastic syndrome; Neoplastic Syndromes, Hereditary; Tumor predisposition; Hereditary Cancer Syndrome. Identifiers: Orphanet 140162, MedGen C0027672, MeSH D009386, MONDO:0015356.

Submissions (2):

Ambry Genetics
Classification: Uncertain significance for Hereditary cancer-predisposing syndrome. Last evaluated: 2026-05-14. Review status: criteria provided, single submitter. Criteria: Ambry Variant Classification Scheme 2023. Collection method: clinical testing. Allele origin: germline.
Comment: The p.E3335G variant (also known as c.10004A>G), located in coding exon 26 of the BRCA2 gene, results from an A to G substitution at nucleotide position 10004. The glutamic acid at codon 3335 is replaced by glycine, an amino acid with similar properties. This amino acid position is conserved. In addition, this alteration is predicted to be tolerated by in silico analysis. Based on the available evidence, the clinical significance of this variant remains unclear.

Labcorp Genetics (formerly Invitae), Labcorp
Classification: Uncertain significance for Hereditary breast ovarian cancer syndrome. Last evaluated: 2025-08-09. Review status: criteria provided, single submitter. Criteria: Invitae Variant Classification Sherloc (09022015). Collection method: clinical testing. Allele origin: germline.
Comment: This sequence change replaces glutamic acid, which is acidic and polar, with glycine, which is neutral and non-polar, at codon 3335 of the BRCA2 protein (p.Glu3335Gly). This variant is not present in population databases (gnomAD no frequency). This variant has not been reported in the literature in individuals affected with BRCA2-related conditions. Invitae Evidence Modeling of protein sequence and biophysical properties (such as structural, functional, and spatial information, amino acid conservation, physicochemical variation, residue mobility, and thermodynamic stability) indicates that this missense variant is not expected to disrupt BRCA2 protein function with a negative predictive value of 95%. In summary, the available evidence is currently insufficient to determine the role of this variant in disease. Therefore, it has been classified as a Variant of Uncertain Significance.